The following is an entry in ClinVar:

ClinVar aggregate classification (germline): Uncertain significance. Review status: criteria provided, multiple submitters, no conflicts (2 of 4 stars). 8 submissions from 6 submitters: Uncertain significance (8). Last evaluated 2025-12-08.

Conditions:
Congenital multicore myopathy with external ophthalmoplegia (CMYO1B). Also called: MULTIMINICORE DISEASE WITH EXTERNAL OPHTHALMOPLEGIA; MULTICORE MYOPATHY; Congenital myopathy 1B, autosomal recessive; Minicore myopathy; Minicore myopathy with external ophthalmoplegia. Identifiers: Orphanet 598, Orphanet 98905, MedGen C1850674, MONDO:0009712, OMIM 255320, HP:0003789.
Central core myopathy (CMYO1A). Also called: CONGENITAL MYOPATHY 1A, AUTOSOMAL DOMINANT, WITH SUSCEPTIBILITY TO MALIGNANT HYPERTHERMIA; Central core disease; Myopathy, central fibrillar. Identifiers: Orphanet 597, MedGen C5830701, MONDO:0007294, OMIM 117000.
RYR1-related disorder. Also called: RYR1-related disorders; RYR1-related condition. Identifiers: MedGen CN239331.
Malignant hyperthermia, susceptibility to, 1 (MHS1). Also called: Anesthesia related hyperthermia; Malignant hyperpyrexia; Fulminating hyperpyrexia; Pharmacogenic myopathy; RYR1-Related Malignant Hyperthermia Susceptibility; Malignant hyperthermia suceptibility 1. Identifiers: Orphanet 423, MedGen C2930980, MONDO:0007783, OMIM 145600.

Allele frequency attached by ClinVar (database versions not stated): ExAC 0.00013; gnomAD exomes 0.00014 and 0.00018; ESP Exome Variant Server 0.00015; TOPMed 0.00015; gnomAD 0.00018 and 0.00019; 1000 Genomes Project 0.00060; 1000 Genomes Project 30x 0.00062.
gnomAD v4.1: 290 of 1,613,572 alleles (0.018%); highest among the groups gnomAD compares: East Asian, 0.031%; no homozygotes.

Submissions (8):

Labcorp Genetics (formerly Invitae), Labcorp
Classification: Uncertain significance for RYR1-related disorder. Last evaluated: 2025-12-08. Review status: criteria provided, single submitter. Criteria: Invitae Variant Classification Sherloc (09022015). Collection method: clinical testing. Allele origin: germline.
Comment: This sequence change replaces threonine, which is neutral and polar, with methionine, which is neutral and non-polar, at codon 1431 of the RYR1 protein (p.Thr1431Met). This variant is present in population databases (rs191656849, gnomAD 0.04%). This missense change has been observed in individual(s) with RYR1-related conditions (PMID: 32236737, 37937776). ClinVar contains an entry for this variant (Variation ID: 329024). An algorithm developed to predict the effect of missense changes on protein structure and function (PolyPhen-2) suggests that this variant is likely to be disruptive. In summary, the available evidence is currently insufficient to determine the role of this variant in disease. Therefore, it has been classified as a Variant of Uncertain Significance.

Revvity Omics, Revvity
Classification: Uncertain significance. Last evaluated: 2025-05-09. Review status: criteria provided, single submitter. Criteria: ACMG Guidelines, 2015. Collection method: clinical testing. Allele origin: germline.

Blueprint Genetics
Classification: Uncertain significance. Last evaluated: 2024-11-07. Review status: criteria provided, single submitter. Criteria: ACMG Guidelines, 2015. Collection method: clinical testing. Allele origin: germline.

Color Diagnostics, LLC DBA Color Health
Classification: Uncertain significance for Malignant hyperthermia, susceptibility to, 1. Last evaluated: 2024-05-29. Review status: criteria provided, single submitter. Criteria: ACMG Guidelines, 2015. Collection method: clinical testing. Allele origin: germline.
Comment: This missense variant replaces threonine with methionine at codon 1431 of the RYR1 protein. Computational prediction suggests that this variant may not impact protein structure and function. To our knowledge, functional studies have not been reported for this variant. This variant has not been reported in individuals affected with RYR1-related disorders in the literature. This variant has been identified in 43/281882 chromosomes in the general population by the Genome Aggregation Database (gnomAD). The available evidence is insufficient to determine the role of this variant in disease conclusively. Therefore, this variant is classified as a Variant of Uncertain Significance.

PreventionGenetics, part of Exact Sciences
Classification: Uncertain significance for RYR1-related condition. Last evaluated: 2023-09-25. Review status: criteria provided, single submitter. Criteria: ACMG Guidelines, 2015. Collection method: clinical testing. Allele origin: germline.
Comment: The RYR1 c.4292C>T variant is predicted to result in the amino acid substitution p.Thr1431Met. To our knowledge, this variant has not been reported in the literature. This variant is reported in 0.065% of alleles in individuals of East Asian descent in gnomAD. Although we suspect that this variant may be benign, at this time, the clinical significance of this variant is uncertain due to the absence of conclusive functional and genetic evidence.

Illumina Laboratory Services, Illumina
Classification: Uncertain significance for Central core myopathy. Last evaluated: 2018-01-13. Review status: criteria provided, single submitter. Criteria: ICSL Variant Classification Criteria 13 December 2019. Collection method: clinical testing. Allele origin: germline.

Illumina Laboratory Services, Illumina
Classification: Uncertain significance for Congenital multicore myopathy with external ophthalmoplegia. Last evaluated: 2018-01-13. Review status: criteria provided, single submitter. Criteria: ICSL Variant Classification Criteria 13 December 2019. Collection method: clinical testing. Allele origin: germline.

Illumina Laboratory Services, Illumina
Classification: Uncertain significance for Malignant hyperthermia, susceptibility to, 1. Last evaluated: 2018-01-13. Review status: criteria provided, single submitter. Criteria: ICSL Variant Classification Criteria 13 December 2019. Collection method: clinical testing. Allele origin: germline.

Literature cited by the submitters: PubMed 32236737 (cited by Labcorp Genetics (formerly Invitae), Labcorp); PubMed 37937776 (cited by Labcorp Genetics (formerly Invitae), Labcorp).

NM_000540.3(RYR1):c.4292C>T (p.Thr1431Met)

Gene: RYR1 (ryanodine receptor 1; plus strand). Cytogenetic location: 19q13.2.
Variant type: single nucleotide variant.
Coding change: c.4292C>T on transcript NM_000540.3 (MANE Select); coding-DNA position 4292, C replaced by T.
Protein change: p.Thr1431Met; replaces threonine 1431 with methionine.
Molecular consequence: missense variant.
Genome position (GRCh38, 1-based): chr19:38,475,449, C>T. VCF-style: chr19-38475449-C-T. GRCh37 (hg19) VCF-style: chr19-38966089-C-T.
Other names: c.4292C>T, p.Thr1431Met (NM_001042723.2); short protein forms T1431M.
Identifiers: ClinVar variation 329024 (VCV000329024.18), dbSNP rs191656849, ClinGen allele CA065830.